The following is an entry in ClinVar:

ClinVar aggregate classification (germline): Likely benign. Review status: criteria provided, multiple submitters, no conflicts (2 of 4 stars). 2 submissions from 2 submitters: Likely benign (2). Last evaluated 2018-06-16.

Allele frequency attached by ClinVar (database versions not stated): gnomAD 0.00044 and 0.00080; TOPMed 0.00068; ESP Exome Variant Server 0.00069; gnomAD exomes 0.00132 and 0.00246; 1000 Genomes Project 30x 0.00156; 1000 Genomes Project 0.00160; ExAC 0.00259.
gnomAD v4.1: 2,068 of 1,613,408 alleles (0.13%); highest among the groups gnomAD compares: South Asian, 1.3%; 26 homozygotes.

Submissions (2):

GeneDx
Classification: Likely benign. Last evaluated: 2018-06-16. Review status: criteria provided, single submitter. Criteria: GeneDx Variant Classification (06012015). Collection method: clinical testing. Allele origin: germline. Affected: yes.
Comment: This variant is considered likely benign or benign based on one or more of the following criteria: it is a conservative change, it occurs at a poorly conserved position in the protein, it is predicted to be benign by multiple in silico algorithms, and/or has population frequency not consistent with disease.

Breakthrough Genomics
Classification: Likely benign. Review status: criteria provided, single submitter. Criteria: ACMG Guidelines, 2015. Collection method: not provided. Allele origin: germline. Inheritance: Autosomal recessive inheritance. Affected: yes.

NM_001128840.3(CACNA1D):c.2221+34C>T

Gene: CACNA1D (calcium voltage-gated channel subunit alpha1 D; plus strand). Cytogenetic location: 3p21.1.
Variant type: single nucleotide variant.
Coding change: c.2221+34C>T on transcript NM_001128840.3 (MANE Select); 34 bases into the intron after coding-DNA position 2221, C replaced by T.
Molecular consequence: intron variant.
Genome position (GRCh38, 1-based): chr3:53,727,033, C>T. VCF-style: chr3-53727033-C-T. GRCh37 (hg19) VCF-style: chr3-53761060-C-T.
Other names: c.2221+34C>T (NM_001128839.3); c.2281+34C>T (NM_000720.4).
Identifiers: ClinVar variation 684203 (VCV000684203.2), dbSNP rs370989490, ClinGen allele CA2454168.